The following is an entry in ClinVar:

NM_206933.4(USH2A):c.6967C>T (p.Arg2323Ter)

Gene: USH2A (usherin; minus strand). Cytogenetic location: 1q41.
Variant type: single nucleotide variant.
Coding change: c.6967C>T on transcript NM_206933.4 (MANE Select); coding-DNA position 6967, C replaced by T.
Protein change: p.Arg2323Ter; replaces arginine 2323 with a stop codon.
Molecular consequence: nonsense.
Genome position (GRCh38, 1-based): chr1:215,965,470, G>A on the plus strand (C>T on the coding strand, the complement: USH2A is on the minus strand). VCF-style: chr1-215965470-G-A. GRCh37 (hg19) VCF-style: chr1-216138812-G-A.
Other names: short protein forms R2323*.
Identifiers: ClinVar variation 558501 (VCV000558501.47), dbSNP rs1485173724, ClinGen allele CA344852637.

ClinVar aggregate classification (germline): Pathogenic/Likely pathogenic. Review status: criteria provided, multiple submitters, no conflicts (2 of 4 stars). 14 submissions from 12 submitters: Pathogenic (11); Likely pathogenic (2). 1 of the submissions does not count toward it. Last evaluated 2026-09-25.

Conditions:
USH2A-related disorder. Also called: USH2A-related disorders; USH2A-related condition. Identifiers: MedGen CN239332.
Retinal dystrophy. Also called: Inherited retinal dystrophy. Identifiers: Orphanet 71862, MedGen C0854723, MeSH D058499, MONDO:0019118, HP:0000556.
Usher syndrome. Also called: Usher Syndromes; Usher's syndrome. Identifiers: Orphanet 886, MedGen CN469326, MeSH D052245, MONDO:0019501. Disease mechanism: loss of function.
Retinitis pigmentosa 39 (RP39). Identifiers: Orphanet 791, MedGen C3151138, MONDO:0013436, OMIM 613809.
Usher syndrome type 2A. Also called: RETINAL DISEASE IN USHER SYNDROME TYPE IIA, MODIFIER OF; USHER SYNDROME, TYPE IIA. Identifiers: Orphanet 231178, Orphanet 886, MedGen C1848634, MONDO:0010169, OMIM 276901.

Allele frequency attached by ClinVar (database versions not stated): TOPMed below 0.00001; gnomAD 0.00001; gnomAD exomes 0.00001.
gnomAD v4.1: 17 of 1,613,414 alleles (0.0011%); highest among the groups gnomAD compares: Admixed American, 0.005%; no homozygotes.

Submissions (14):

PreventionGenetics, part of Exact Sciences
Classification: Pathogenic for USH2A-related condition. Last evaluated: 2026-09-25. Review status: criteria provided, single submitter. Criteria: ACMG Guidelines, 2015. Collection method: clinical testing. Allele origin: germline.
Comment: The USH2A c.6967C>T variant is predicted to result in premature protein termination (p.Arg2323*). This variant has been reported in individuals with Usher syndrome or non-syndromic retinitis pigmentosa (Pierrache et al. 2016. PubMed ID: 26927203; Table S3 in Sun et al. 2018. PubMed ID: 29625443; Martín-Sánchez et al. 2020. PubMed ID: 33302505). This variant is reported in 0.0033% of alleles in individuals of South Asian descent in gnomAD. Nonsense variants in USH2A are expected to be pathogenic, and this variant has been classified as pathogenic by multiple independent submitters to the ClinVar database. Given all the evidence, we interpret c.6967C>T (p.Arg2323*) as pathogenic.

Natera, Inc.
Classification: Pathogenic for Usher syndrome type 2A. Last evaluated: 2025-09-03. Review status: criteria provided, single submitter. Criteria: Natera Variant Classification Schema (03/2026). Collection method: clinical testing. Allele origin: germline.
Comment: The c.6967C>T variant in USH2A is a nonsense variant predicted to introduce a stop codon at amino acid 2323. This variant is expected to result in nonsense mediated decay, truncation, or a dysfunctional protein product. This variant is rare in the general population with a frequency below the threshold expected for the associated phenotype(s). This variant has been observed in one or more individuals affected with the associated recessive disease, as either homozygous or compound heterozygous with a second variant (PMID: 30459346). Given the available evidence, this variant is classified as Pathogenic.

Labcorp Genetics (formerly Invitae), Labcorp
Classification: Pathogenic. Last evaluated: 2025-03-03. Review status: criteria provided, single submitter. Criteria: Invitae Variant Classification Sherloc (09022015). Collection method: clinical testing. Allele origin: germline.
Comment: This sequence change creates a premature translational stop signal (p.Arg2323*) in the USH2A gene. It is expected to result in an absent or disrupted protein product. Loss-of-function variants in USH2A are known to be pathogenic (PMID: 10729113, 10909849, 20507924, 25649381). This variant is present in population databases (no rsID available, gnomAD 0.003%). This premature translational stop signal has been observed in individual(s) with Usher syndrome (PMID: 26927203, 29625443). ClinVar contains an entry for this variant (Variation ID: 558501). For these reasons, this variant has been classified as Pathogenic.

Baylor Genetics
Classification: Pathogenic for Retinitis pigmentosa 39. Last evaluated: 2023-12-22. Review status: criteria provided, single submitter. Criteria: ACMG Guidelines, 2015. Collection method: clinical testing. Allele origin: unknown.

Genome-Nilou Lab
Classification: Likely pathogenic for Retinitis pigmentosa 39. Last evaluated: 2023-11-04. Review status: criteria provided, single submitter. Criteria: ACMG Guidelines, 2015. Collection method: clinical testing. Allele origin: germline. Affected: no.

Genome-Nilou Lab
Classification: Likely pathogenic for Usher syndrome type 2A. Last evaluated: 2023-11-04. Review status: criteria provided, single submitter. Criteria: ACMG Guidelines, 2015. Collection method: clinical testing. Allele origin: germline. Affected: no.

Blueprint Genetics
Classification: Pathogenic for USH2A-related disorders. Last evaluated: 2023-05-15. Review status: criteria provided, single submitter. Criteria: ACMG Guidelines, 2015. Collection method: clinical testing. Allele origin: germline. Affected: yes. Observed: 5 variant alleles.

SN ONGC Dept of Genetics and Molecular biology Vision Research Foundation
Classification: Pathogenic for Usher syndrome. Last evaluated: 2022-12-31. Review status: criteria provided, single submitter. Criteria: ACMG Guidelines, 2015. Collection method: research. Allele origin: unknown. Affected: yes. Observed: 1 variant allele, 1 compound heterozygote.

GeneDx
Classification: Pathogenic. Last evaluated: 2022-11-23. Review status: criteria provided, single submitter. Criteria: GeneDx Variant Classification Process June 2021. Collection method: clinical testing. Allele origin: germline. Affected: yes.
Comment: Nonsense variant predicted to result in protein truncation or nonsense mediated decay in a gene for which loss of function is a known mechanism of disease; Not observed at significant frequency in large population cohorts (gnomAD); This variant is associated with the following publications: (PMID: 26927203, 33302505, 35266249, 30459346, 29625443)

Fulgent Genetics
Classification: Pathogenic for Usher syndrome type 2A; Retinitis pigmentosa 39. Last evaluated: 2018-10-31. Review status: criteria provided, single submitter. Criteria: ACMG Guidelines, 2015. Collection method: clinical testing. Allele origin: unknown.

Institute of Human Genetics, Univ. Regensburg, Univ. Regensburg
Classification: Pathogenic for Retinal dystrophy. Last evaluated: 2014-01-01. Review status: criteria provided, single submitter. Criteria: ACMG Guidelines, 2015. Collection method: clinical testing. Allele origin: germline. Affected: yes.

Clinical Genetics Service, Universitary Hospital 12 de Octubre
Classification: Pathogenic for Usher syndrome type 2A. Review status: criteria provided, single submitter. Criteria: ACMG Guidelines, 2015. Collection method: clinical testing. Allele origin: germline. Affected: yes.

Clinical Genetics Service, Universitary Hospital 12 de Octubre
Classification: Pathogenic for Retinitis pigmentosa 39. Review status: criteria provided, single submitter. Criteria: ACMG Guidelines, 2015. Collection method: clinical testing. Allele origin: germline. Affected: yes.

Counsyl
Classification: Likely pathogenic for Usher syndrome type 2A; Retinitis pigmentosa 39. Last evaluated: 2018-05-23. Review status: no assertion criteria provided. Collection method: clinical testing. Allele origin: unknown. Not counted in ClinVar's aggregate classification.

Literature cited by the submitters: PubMed 30459346 (cited by Natera, Inc.); PubMed 10729113 (cited by Labcorp Genetics (formerly Invitae), Labcorp); PubMed 10909849 (cited by Labcorp Genetics (formerly Invitae), Labcorp); PubMed 20507924 (cited by Labcorp Genetics (formerly Invitae), Labcorp); PubMed 25649381 (cited by Labcorp Genetics (formerly Invitae), Labcorp); PubMed 26927203 (cited by 3 submitters); PubMed 29625443 (cited by Labcorp Genetics (formerly Invitae), Labcorp and Institute of Human Genetics, Univ. Regensburg, Univ. Regensburg); PubMed 31964843 (cited by Institute of Human Genetics, Univ. Regensburg, Univ. Regensburg); PubMed 33302505 (cited by Institute of Human Genetics, Univ. Regensburg, Univ. Regensburg); PubMed 33749171 (cited by Institute of Human Genetics, Univ. Regensburg, Univ. Regensburg); PubMed 35266249 (cited by Institute of Human Genetics, Univ. Regensburg, Univ. Regensburg); PubMed 36819107 (cited by Institute of Human Genetics, Univ. Regensburg, Univ. Regensburg).